The following is an entry in ClinVar:

ClinVar aggregate classification (germline): Conflicting classifications of pathogenicity. Review status: criteria provided, conflicting classifications (1 of 4 stars). 2 submissions from 2 submitters: Uncertain significance (1); Likely benign (1). Last evaluated 2025-08-07.

Conditions:
Inborn genetic diseases. Identifiers: MedGen C0950123, MeSH D030342.
Meckel-Gruber syndrome. Also called: DYSENCEPHALIA SPLANCHNOCYSTICA; GRUBER SYNDROME; Dysencephalia splachnocystica. Identifiers: Orphanet 564, MedGen C0265215, MONDO:0018921.
Joubert syndrome. Also called: CEREBELLOPARENCHYMAL DISORDER IV; JOUBERT-BOLTSHAUSER SYNDROME; Familial aplasia of the vermis. Identifiers: Orphanet 475, MedGen C5979921, MONDO:0018772.

gnomAD v4.1: 8 of 1,613,994 alleles (0.0005%); highest among the groups gnomAD compares: Non-Finnish European, 0.00068%; no homozygotes.

Submissions (2):

Ambry Genetics
Classification: Likely benign for Inborn genetic diseases. Last evaluated: 2025-08-07. Review status: criteria provided, single submitter. Criteria: Ambry Variant Classification Scheme 2023. Collection method: clinical testing. Allele origin: germline.

Labcorp Genetics (formerly Invitae), Labcorp
Classification: Uncertain significance for Joubert syndrome; Meckel-Gruber syndrome. Last evaluated: 2022-08-16. Review status: criteria provided, single submitter. Criteria: Invitae Variant Classification Sherloc (09022015). Collection method: clinical testing. Allele origin: germline.
Comment: In summary, the available evidence is currently insufficient to determine the role of this variant in disease. Therefore, it has been classified as a Variant of Uncertain Significance. Algorithms developed to predict the effect of missense changes on protein structure and function output the following: SIFT: "Tolerated"; PolyPhen-2: "Benign"; Align-GVGD: "Class C0". The serine amino acid residue is found in multiple mammalian species, which suggests that this missense change does not adversely affect protein function. ClinVar contains an entry for this variant (Variation ID: 1494440). This variant has not been reported in the literature in individuals affected with TCTN2-related conditions. This variant is present in population databases (rs760206821, gnomAD 0.002%). This sequence change replaces alanine, which is neutral and non-polar, with serine, which is neutral and polar, at codon 527 of the TCTN2 protein (p.Ala527Ser).

NM_024809.5(TCTN2):c.1579G>T (p.Ala527Ser)

Gene: TCTN2 (tectonic family member 2; plus strand). Cytogenetic location: 12q24.31.
Variant type: single nucleotide variant.
Coding change: c.1579G>T on transcript NM_024809.5 (MANE Select); coding-DNA position 1579, G replaced by T.
Protein change: p.Ala527Ser; replaces alanine 527 with serine.
Molecular consequence: missense variant.
Genome position (GRCh38, 1-based): chr12:123,699,777, G>T. VCF-style: chr12-123699777-G-T. GRCh37 (hg19) VCF-style: chr12-124184324-G-T.
Other names: c.1576G>T, p.Ala526Ser (NM_001143850.3); c.1579G>T (NM_024809.3); short protein forms A526S, A527S.
Identifiers: ClinVar variation 1494440 (VCV001494440.9), dbSNP rs760206821, ClinGen allele CA6861262.